The following is an entry in ClinVar:

NM_001005242.3(PKP2):c.1083G>C (p.Glu361Asp)

Gene: PKP2 (plakophilin 2; minus strand). Cytogenetic location: 12p11.21.
Variant type: single nucleotide variant.
Coding change: c.1083G>C on transcript NM_001005242.3 (MANE Select); coding-DNA position 1083, G replaced by C.
Protein change: p.Glu361Asp; replaces glutamic acid 361 with aspartic acid.
Molecular consequence: missense variant.
Genome position (GRCh38, 1-based): chr12:32,869,014, C>G on the plus strand (G>C on the coding strand, the complement: PKP2 is on the minus strand). VCF-style: chr12-32869014-C-G. GRCh37 (hg19) VCF-style: chr12-33021948-C-G.
Other names: c.1083G>C, p.Glu361Asp (NM_001407155.1, NM_001407156.1, NM_001407157.1 and 2 more transcripts); c.756G>C, p.Glu252Asp (NM_001407158.1, NM_001407159.1, NM_001407160.1 and 1 more transcripts); short protein forms E252D, E361D.
Identifiers: ClinVar variation 3387489 (VCV003387489.1).

ClinVar aggregate classification (germline): Uncertain significance (1 of 4 stars; one submission).

Conditions:
Arrhythmogenic right ventricular cardiomyopathy (ARVD). Also called: Arrhythmogenic right ventricular dysplasia; Cardiomyopathy, ARVC; Arrhythmogenic cardiomyopathy; Arrhythmogenic Right Ventricular Cardiomyopathy (ARVC). Identifiers: Orphanet 247, MedGen C0349788, MeSH D019571, MONDO:0016587. Disease mechanism: loss of function. Inheritance: Various modes of inheritance.

Submission:

All of Us Research Program, National Institutes of Health
Classification: Uncertain significance for Arrhythmogenic right ventricular cardiomyopathy. Last evaluated: 2024-04-25. Review status: criteria provided, single submitter. Criteria: ACMG Guidelines, 2015. Collection method: clinical testing. Allele origin: germline. Inheritance: Autosomal dominant inheritance. Observed: 1 variant allele, 1 heterozygote.
Comment: This missense variant replaces glutamic acid with aspartic acid at codon 361 of the PKP2 protein. Computational prediction suggests that this variant may not impact protein structure and function (internally defined REVEL score threshold <= 0.5, PMID: 27666373). To our knowledge, functional studies have not been reported for this variant. This variant has not been reported in individuals affected with PKP2-related disorders in the literature. This variant has not been identified in the general population by the Genome Aggregation Database (gnomAD). The available evidence is insufficient to determine the role of this variant in disease conclusively. Therefore, this variant is classified as a Variant of Uncertain Significance.

This study involves interpretation of variants in research participants for the purpose of population health screening. Participant phenotype was not available at the time of variant classification. Additional details can be found in publication PMID: 35346344, PMCID: PMC8962531